The following is an entry in ClinVar:

ClinVar aggregate classification (germline): Likely benign. Review status: criteria provided, multiple submitters, no conflicts (2 of 4 stars). 3 submissions from 3 submitters: Likely benign (3). Last evaluated 2025-01-29.

Conditions:
CACNA1F-related disorder. Also called: CACNA1F-related condition.

Allele frequency attached by ClinVar (database versions not stated): gnomAD exomes 0.00001; gnomAD 0.00002; TOPMed 0.00002.

Submissions (3):

PreventionGenetics, part of Exact Sciences
Classification: Likely benign for CACNA1F-related condition. Last evaluated: 2025-01-29. Review status: criteria provided, single submitter. Criteria: ACMG Guidelines, 2015. Collection method: clinical testing. Allele origin: germline.
Comment: This variant is classified as likely benign based on ACMG/AMP sequence variant interpretation guidelines (Richards et al. 2015 PMID: 25741868, with internal and published modifications).

Blueprint Genetics
Classification: Likely benign. Last evaluated: 2022-10-28. Review status: criteria provided, single submitter. Criteria: ACMG Guidelines, 2015. Collection method: clinical testing. Allele origin: germline.

Labcorp Genetics (formerly Invitae), Labcorp
Classification: Likely benign. Last evaluated: 2022-10-04. Review status: criteria provided, single submitter. Criteria: Invitae Variant Classification Sherloc (09022015). Collection method: clinical testing. Allele origin: germline.

NM_001256789.3(CACNA1F):c.3598-4G>A

Gene: CACNA1F (calcium voltage-gated channel subunit alpha1 F; minus strand). Cytogenetic location: Xp11.23.
Variant type: single nucleotide variant.
Coding change: c.3598-4G>A on transcript NM_001256789.3 (MANE Select); 4 bases into the intron before coding-DNA position 3598, G replaced by A.
Molecular consequence: intron variant.
Genome position (GRCh38, 1-based): chrX:49,214,273, C>T on the plus strand (G>A on the coding strand, the complement: CACNA1F is on the minus strand). VCF-style: chrX-49214273-C-T. GRCh37 (hg19) VCF-style: chrX-49070733-C-T.
Other names: c.3631-4G>A (NM_005183.4, NM_005183.3); c.3436-4G>A (NM_001256790.3).
Identifiers: ClinVar variation 1090975 (VCV001090975.11), dbSNP rs1172961692, ClinGen allele CA641530612.
Genomic context (GRCh38, chrX:49,214,273, plus strand): 5'-GAAGACCATGTTGAGGATGTCCATGGCATAGTTGAAGGGAGCAGTCTGCTCATAGTGCTG[C>T]AGGAGAAAATCAGGTTGAGATGGAGCCTGAGGCAGAGATGCCGCCACACCCAACCAAATA-3'